The following is an entry in ClinVar:

NM_001032283.3(TMPO):c.52A>G (p.Ser18Gly)

Genes: TMPO (thymopoietin; plus strand), TMPO-AS1 (TMPO antisense RNA 1; minus strand). Cytogenetic location: 12q23.1.
Variant type: single nucleotide variant.
Coding change: c.52A>G on transcript NM_001032283.3 (MANE Select); coding-DNA position 52, A replaced by G.
Protein change: p.Ser18Gly; replaces serine 18 with glycine.
Molecular consequence: missense variant.
Genome position (GRCh38, 1-based): chr12:98,515,919, A>G. VCF-style: chr12-98515919-A-G. GRCh37 (hg19) VCF-style: chr12-98909697-A-G.
Other names: c.52A>G, p.Ser18Gly (NM_001032284.3, NM_001307975.2, NM_003276.2); short protein forms S18G.
Identifiers: ClinVar variation 1442626 (VCV001442626.8), dbSNP rs2121093002, ClinGen allele CA386239334.

ClinVar aggregate classification (germline): Uncertain significance (1 of 4 stars; one submission).

Conditions:
Loeys-Dietz syndrome 2 (LDS2). Also called: Marfan Syndrome type 2; Marfan like connective tissue disorder; MFS 2; TGFBR2-Related Loeys-Dietz Syndrome; AORTIC ANEURYSM, FAMILIAL THORACIC 3; MARFAN SYNDROME, TYPE II. Identifiers: Orphanet 284973, Orphanet 558, MedGen C2674574, MONDO:0012427, OMIM 610168.

Submission:

Labcorp Genetics (formerly Invitae), Labcorp
Classification: Uncertain significance for Loeys-Dietz syndrome 2. Last evaluated: 2021-01-08. Review status: criteria provided, single submitter. Criteria: Invitae Variant Classification Sherloc (09022015). Collection method: clinical testing. Allele origin: germline.
Comment: This sequence change replaces serine with glycine at codon 18 of the TMPO protein (p.Ser18Gly). The serine residue is highly conserved and there is a small physicochemical difference between serine and glycine. This variant is not present in population databases (ExAC no frequency). This variant has not been reported in the literature in individuals with TMPO-related conditions. Algorithms developed to predict the effect of missense changes on protein structure and function are either unavailable or do not agree on the potential impact of this missense change (SIFT: "Deleterious"; PolyPhen-2: "Probably Damaging"; Align-GVGD: "Class C0"). Algorithms developed to predict the effect of sequence changes on RNA splicing suggest that this variant may create or strengthen a splice site, but this prediction has not been confirmed by published transcriptional studies. In summary, the available evidence is currently insufficient to determine the role of this variant in disease. Therefore, it has been classified as a Variant of Uncertain Significance.